The following is an entry in ClinVar:

NM_001433706.1(NLRP8):c.2214-57A>C

Gene: NLRP8 (NLR family pyrin domain containing 8; plus strand). Cytogenetic location: 19q13.43.
Variant type: single nucleotide variant.
Coding change: c.2214-57A>C on transcript NM_001433706.1 (MANE Select); 57 bases into the intron before coding-DNA position 2214, A replaced by C.
Molecular consequence: intron variant.
Genome position (GRCh38, 1-based): chr19:55,966,156, A>C. VCF-style: chr19-55966156-A-C. GRCh37 (hg19) VCF-style: chr19-56477522-A-C.
Other names: NM_176811.2:c.2214-57A>C; c.2214-57A>C (NM_001317000.1).
Identifiers: ClinVar variation 103325 (VCV000103325.2), dbSNP rs199475841, ClinGen allele CA230419.

ClinVar aggregate classification (germline): not provided (0 of 4 stars; one submission).

Allele frequency attached by ClinVar (database versions not stated): gnomAD 0.00002; TOPMed 0.00003.
gnomAD v4.1: 58 of 1,554,474 alleles (0.0037%); highest among the groups gnomAD compares: Middle Eastern, 0.034%; no homozygotes.

Submission:

Human Evolutionary Genetics, Institut Pasteur
No classification provided. Review status: no classification provided. Collection method: not provided. Allele origin: germline.
ClinVar note: Converted during submission from untested to not provided.